The following is an entry in ClinVar:

ClinVar aggregate classification (germline): Likely pathogenic (1 of 4 stars; one submission).

Conditions:
Peroxisome biogenesis disorder 9B. Also called: PEROXISOME BIOGENESIS DISORDER, PEX7-RELATED, ATYPICAL; Refsum disease, adult, 2; PEX7-Related Refsum Disease. Identifiers: Orphanet 773, MedGen C2749346, MONDO:0013945, OMIM 614879.

Submission:

Labcorp Genetics (formerly Invitae), Labcorp
Classification: Likely pathogenic for Peroxisome biogenesis disorder 9B. Last evaluated: 2024-04-16. Review status: criteria provided, single submitter. Criteria: Invitae Variant Classification Sherloc (09022015). Collection method: clinical testing. Allele origin: germline.
Comment: This sequence change affects a donor splice site in intron 8 of the PEX7 gene. It is expected to disrupt RNA splicing. Variants that disrupt the donor or acceptor splice site typically lead to a loss of protein function (PMID: 16199547), and loss-of-function variants in PEX7 are known to be pathogenic (PMID: 12325024, 12522768, 20301447). This variant is not present in population databases (gnomAD no frequency). This variant has not been reported in the literature in individuals affected with PEX7-related conditions. Algorithms developed to predict the effect of sequence changes on RNA splicing suggest that this variant may disrupt the consensus splice site. In summary, the currently available evidence indicates that the variant is pathogenic, but additional data are needed to prove that conclusively. Therefore, this variant has been classified as Likely Pathogenic.

Literature cited by the submitters: PubMed 16199547; PubMed 12325024; PubMed 12522768; PubMed 20301447.

NM_000288.4(PEX7):c.803+1G>C

Gene: PEX7 (peroxisomal biogenesis factor 7; plus strand). Cytogenetic location: 6q23.3.
Variant type: single nucleotide variant.
Coding change: c.803+1G>C on transcript NM_000288.4 (MANE Select); the canonical splice donor site of the intron after coding-DNA position 803, G replaced by C.
Molecular consequence: splice donor variant.
Genome position (GRCh38, 1-based): chr6:136,872,254, G>C. VCF-style: chr6-136872254-G-C. GRCh37 (hg19) VCF-style: chr6-137193392-G-C.
Other names: c.689+1G>C (NM_001410945.1).
Identifiers: ClinVar variation 3647494 (VCV003647494.2).